The following is an entry in ClinVar:

ClinVar aggregate classification (germline): Uncertain significance. Review status: criteria provided, multiple submitters, no conflicts (2 of 4 stars). 2 submissions from 2 submitters: Uncertain significance (2). Last evaluated 2021-11-01.

Conditions:
Telangiectasia, hereditary hemorrhagic, type 2 (HHT2). Also called: ACVRL1-Related Hereditary Hemorrhagic Telangiectasia; Telangiectasia, hereditary hemorrhagic, type II. Identifiers: Orphanet 774, MedGen C1838163, MONDO:0010880, OMIM 600376. Disease mechanism: loss of function.

Submissions (2):

Fulgent Genetics
Classification: Uncertain significance for Telangiectasia, hereditary hemorrhagic, type 2. Last evaluated: 2021-11-01. Review status: criteria provided, single submitter. Criteria: ACMG Guidelines, 2015. Collection method: clinical testing. Allele origin: unknown.

Labcorp Genetics (formerly Invitae), Labcorp
Classification: Uncertain significance for Telangiectasia, hereditary hemorrhagic, type 2. Last evaluated: 2018-06-26. Review status: criteria provided, single submitter. Criteria: Invitae Variant Classification Sherloc (09022015). Collection method: clinical testing. Allele origin: germline.
Comment: This sequence change replaces tyrosine with glutamine at codon 393 of the ACVRL1 protein (p.Tyr393Gln). The tyrosine residue is highly conserved and there is a moderate physicochemical difference between tyrosine and glutamine. This variant is present in population databases (rs755922974, ExAC 0.003%). This variant has not been reported in the literature in individuals with ACVRL1-related disease. Algorithms developed to predict the effect of missense changes on protein structure and function (SIFT, PolyPhen-2, Align-GVGD) all suggest that this variant is likely to be disruptive, but these predictions have not been confirmed by published functional studies and their clinical significance is uncertain. In summary, the available evidence is currently insufficient to determine the role of this variant in disease. Therefore, it has been classified as a Variant of Uncertain Significance.

NM_000020.3(ACVRL1):c.1177_1179delinsCAA (p.Tyr393Gln)

Gene: ACVRL1 (activin A receptor like type 1; plus strand). Cytogenetic location: 12q13.13.
Variant type: Indel.
Coding change: c.1177_1179delinsCAA on transcript NM_000020.3 (MANE Select); coding-DNA positions 1177 to 1179, TAC replaced by CAA.
Protein change: p.Tyr393Gln; replaces tyrosine 393 with glutamine.
Molecular consequence: missense variant.
Genome position (GRCh38, 1-based): chr12:51,916,164-51,916,166, TAC replaced by CAA. VCF-style: chr12-51916164-TAC-CAA. GRCh37 (hg19) VCF-style: chr12-52309948-TAC-CAA.
Other names: c.1177_1179delinsCAA, p.Tyr393Gln (NM_001077401.2); short protein forms Y393Q.
Identifiers: ClinVar variation 572217 (VCV000572217.4), dbSNP rs1565595070, ClinGen allele CA891843497.
Genomic context (GRCh38, chr12:51,916,164, plus strand): 5'-AAGCGGTACATGGCACCCGAGGTGCTGGACGAGCAGATCCGCACGGACTGCTTTGAGTCC[TAC>CAA]AAGTGGACTGACATCTGGGCCTTTGGCCTGGTGCTGTGGGAGATTGCCCGCCGGACCATC-3'
Protein context (NP_000011.2, residues 383-403): EQIRTDCFES[Tyr393Gln]KWTDIWAFGL